The following is an entry in ClinVar:

ClinVar aggregate classification (germline): Conflicting classifications of pathogenicity. Review status: criteria provided, conflicting classifications (1 of 4 stars). 2 submissions from 2 submitters: Uncertain significance (1); Likely benign (1). Last evaluated 2025-07-06.

Conditions:
Duchenne muscular dystrophy (DMD). Also called: Duchenne Muscular Dystrophy (DMD); MUSCULAR DYSTROPHY, PSEUDOHYPERTROPHIC PROGRESSIVE, DUCHENNE TYPE. Identifiers: Orphanet 98896, MedGen C0013264, MONDO:0010679, OMIM 310200.
Cardiovascular phenotype. Identifiers: MedGen CN230736.

Allele frequency attached by ClinVar (database versions not stated): gnomAD exomes 0.00001.
gnomAD v4.1: 12 of 1,211,228 alleles (0.00099%); highest among the groups gnomAD compares: African/African-American, 0.0017%; no homozygotes.

Submissions (2):

Labcorp Genetics (formerly Invitae), Labcorp
Classification: Uncertain significance for Duchenne muscular dystrophy. Last evaluated: 2025-07-06. Review status: criteria provided, single submitter. Criteria: Invitae Variant Classification Sherloc (09022015). Collection method: clinical testing. Allele origin: germline.
Comment: This sequence change replaces arginine, which is basic and polar, with glutamine, which is neutral and polar, at codon 2790 of the DMD protein (p.Arg2790Gln). This variant is not present in population databases (gnomAD no frequency). This variant has not been reported in the literature in individuals affected with DMD-related conditions. ClinVar contains an entry for this variant (Variation ID: 1472266). Invitae Evidence Modeling of protein sequence and biophysical properties (such as structural, functional, and spatial information, amino acid conservation, physicochemical variation, residue mobility, and thermodynamic stability) indicates that this missense variant is not expected to disrupt DMD protein function with a negative predictive value of 95%. In summary, the available evidence is currently insufficient to determine the role of this variant in disease. Therefore, it has been classified as a Variant of Uncertain Significance.

Ambry Genetics
Classification: Likely benign for Cardiovascular phenotype. Last evaluated: 2024-10-24. Review status: criteria provided, single submitter. Criteria: Ambry Variant Classification Scheme 2023. Collection method: clinical testing. Allele origin: germline.

NM_004006.3(DMD):c.8369G>A (p.Arg2790Gln)

Gene: DMD (dystrophin; minus strand). Cytogenetic location: Xp21.1.
Variant type: single nucleotide variant.
Coding change: c.8369G>A on transcript NM_004006.3 (MANE Select); coding-DNA position 8369, G replaced by A.
Protein change: p.Arg2790Gln; replaces arginine 2790 with glutamine.
Molecular consequence: missense variant.
Genome position (GRCh38, 1-based): chrX:31,507,302, C>T on the plus strand (G>A on the coding strand, the complement: DMD is on the minus strand). VCF-style: chrX-31507302-C-T. GRCh37 (hg19) VCF-style: chrX-31525419-C-T.
Other names: c.8369G>A (NM_004006.2); c.8345G>A, p.Arg2782Gln (NM_000109.4); c.8357G>A, p.Arg2786Gln (NM_004009.3); c.8000G>A, p.Arg2667Gln (NM_004010.3); c.4346G>A, p.Arg1449Gln (NM_004011.4); c.4337G>A, p.Arg1446Gln (NM_004012.4); c.989G>A, p.Arg330Gln (NM_004013.3, NM_004020.4, NM_004021.3 and 2 more transcripts); c.182G>A, p.Arg61Gln (NM_004014.3); short protein forms R1446Q, R2667Q, R2782Q, R2790Q, R330Q, R2786Q, R61Q, R1449Q.
Identifiers: ClinVar variation 1472266 (VCV001472266.7), dbSNP rs2147175359, ClinGen allele CA412656112.
Genomic context (GRCh38, chrX:31,507,302, plus strand): 5'-AATTCATTTGTGGCCTTTTTGCTCCACATCTTTTCCTACCTAATGTTGAGAGACTTTTTC[C>T]GAAGTTCACTCCACTTGAAGTTCATGTTATCCAAACGTCTTTGTAACAGGACTGCATCAT-3'
Protein context (NP_003997.2, residues 2780-2800): DNMNFKWSEL[Arg2790Gln]KKSLNIRSHL